The following is an entry in ClinVar:

NM_001370658.1(BTD):c.1111C>T (p.Pro371Ser)

Gene: BTD (biotinidase; plus strand). Cytogenetic location: 3p25.1.
Variant type: single nucleotide variant.
Coding change: c.1111C>T on transcript NM_001370658.1 (MANE Select); coding-DNA position 1111, C replaced by T.
Protein change: p.Pro371Ser; replaces proline 371 with serine.
Molecular consequence: missense variant. On other transcripts: intron variant (2).
Genome position (GRCh38, 1-based): chr3:15,645,027, C>T. VCF-style: chr3-15645027-C-T. GRCh37 (hg19) VCF-style: chr3-15686534-C-T.
Other names: P391S; c.1171C>T, p.Pro391Ser (NM_000060.4); c.1111C>T, p.Pro371Ser (NM_001281723.4, NM_001281724.3, NM_001281725.3 and 16 more transcripts); c.1015+96C>T (NM_001370752.1); c.399+2970C>T (NM_001370753.1); short protein forms P371S.
Identifiers: ClinVar variation 38570 (VCV000038570.56), dbSNP rs35034250, ClinGen allele CA278295.

ClinVar aggregate classification (germline): Benign/Likely benign. Review status: criteria provided, multiple submitters, no conflicts (2 of 4 stars). 13 submissions from 13 submitters: Benign (7); Likely benign (2). 4 of the submissions do not count toward it. Last evaluated 2026-09-01.

Conditions:
BTD-related disorder. Also called: BTD-related condition.
Biotinidase deficiency. Also called: Biotin deficiency; BTD deficiency; Late-onset biotin-responsive multiple carboxylase deficiency. Identifiers: Orphanet 79241, MedGen C0220754, MONDO:0009665, OMIM 253260.

Allele frequency attached by ClinVar (database versions not stated): 1000 Genomes Project 0.00679; 1000 Genomes Project 30x 0.00703; ExAC 0.01399; TOPMed 0.01466; gnomAD 0.01516 and 0.01555; ESP Exome Variant Server 0.01791; gnomAD exomes 0.01392.

Submissions (13):

CeGaT Center for Human Genetics Tuebingen
Classification: Benign. Last evaluated: 2026-09-01. Review status: criteria provided, single submitter. Criteria: CeGaT Center For Human Genetics Tuebingen Variant Classification Criteria Version 2. Collection method: clinical testing. Allele origin: germline. Affected: yes. Observed: 88 variant alleles.
Comment: BTD: BP4, BS1, BS2

Labcorp Genetics (formerly Invitae), Labcorp
Classification: Benign for Biotinidase deficiency. Last evaluated: 2026-02-04. Review status: criteria provided, single submitter. Criteria: Invitae Variant Classification Sherloc (09022015). Collection method: clinical testing. Allele origin: germline.

ARUP Laboratories, Molecular Genetics and Genomics, ARUP Laboratories
Classification: Benign for Biotinidase deficiency. Last evaluated: 2025-07-14. Review status: criteria provided, single submitter. Criteria: ARUP Molecular Germline Variant Investigation Process 2024. Collection method: clinical testing. Allele origin: germline.

PreventionGenetics, part of Exact Sciences
Classification: Benign for BTD-related condition. Last evaluated: 2024-12-30. Review status: criteria provided, single submitter. Criteria: ACMG Guidelines, 2015. Collection method: clinical testing. Allele origin: germline.
Comment: This variant is classified as benign based on ACMG/AMP sequence variant interpretation guidelines (Richards et al. 2015 PMID: 25741868, with internal and published modifications).

Quest Diagnostics Nichols Institute San Juan Capistrano
Classification: Benign. Last evaluated: 2023-09-12. Review status: criteria provided, single submitter. Criteria: Quest Diagnostics criteria. Collection method: clinical testing. Allele origin: unknown.

Women's Health and Genetics/Laboratory Corporation of America, LabCorp
Classification: Likely benign. Last evaluated: 2021-12-10. Review status: criteria provided, single submitter. Criteria: LabCorp Variant Classification Summary - May 2015. Collection method: clinical testing. Allele origin: germline.

GeneDx
Classification: Benign. Last evaluated: 2017-10-26. Review status: criteria provided, single submitter. Criteria: GeneDx Variant Classification (06012015). Collection method: clinical testing. Allele origin: germline. Affected: yes.
Comment: This variant is considered likely benign or benign based on one or more of the following criteria: it is a conservative change, it occurs at a poorly conserved position in the protein, it is predicted to be benign by multiple in silico algorithms, and/or has population frequency not consistent with disease.

Eurofins Ntd Llc (ga)
Classification: Benign. Last evaluated: 2016-10-26. Review status: criteria provided, single submitter. Criteria: EGL Classification Definitions 2015. Collection method: clinical testing. Allele origin: germline. Observed: 1 variant allele, 1 heterozygote.

Breakthrough Genomics
Classification: Likely benign. Review status: criteria provided, single submitter. Criteria: ACMG Guidelines, 2015. Collection method: not provided. Allele origin: germline. Inheritance: Autosomal recessive inheritance. Affected: yes.

Natera, Inc.
Classification: Benign for Biotinidase deficiency. Last evaluated: 2020-09-16. Review status: no assertion criteria provided. Collection method: clinical testing. Allele origin: germline. Not counted in ClinVar's aggregate classification.

Counsyl
Classification: Likely benign for Biotinidase deficiency. Last evaluated: 2018-06-04. Review status: no assertion criteria provided. Collection method: clinical testing. Allele origin: unknown. Not counted in ClinVar's aggregate classification.

Diagnostic Laboratory, Department of Genetics, University Medical Center Groningen
Classification: Benign for Biotinidase deficiency. Review status: no assertion criteria provided. Collection method: clinical testing. Allele origin: germline. Affected: yes. Study: VKGL Data-share Consensus. Not counted in ClinVar's aggregate classification.

Genome Diagnostics Laboratory, University Medical Center Utrecht
Classification: Likely benign. Review status: no assertion criteria provided. Collection method: clinical testing. Allele origin: germline. Affected: yes. Study: VKGL Data-share Consensus. Not counted in ClinVar's aggregate classification.

Literature cited by the submitters: PubMed 15776412 (cited by Quest Diagnostics Nichols Institute San Juan Capistrano); PubMed 26810761 (cited by 3 submitters); PubMed 25144890 (cited by Quest Diagnostics Nichols Institute San Juan Capistrano and Counsyl).